The following is an entry in ClinVar:

ClinVar aggregate classification (germline): Conflicting classifications of pathogenicity. Review status: criteria provided, conflicting classifications (1 of 4 stars). 3 submissions from 3 submitters: Likely pathogenic (2); Uncertain significance (1). Last evaluated 2025-09-30.

Conditions:
Tyrosinemia type I (TYRSN1). Also called: Tyrosinemia type 1; Fumarylacetoacetase deficiency; Deficiency of fumarylacetoacetase; FAH DEFICIENCY; HEPATORENAL TYROSINEMIA. Identifiers: Orphanet 882, MedGen C0268490, MONDO:0010161, OMIM 276700. Disease mechanism: loss of function.

gnomAD v4.1: 1 of 1,613,738 alleles (0.000062%); highest among the groups gnomAD compares: East Asian, 0.0022%; no homozygotes.

Submissions (3):

Natera, Inc.
Classification: Likely pathogenic for Tyrosinemia type I. Last evaluated: 2025-09-30. Review status: criteria provided, single submitter. Criteria: Natera Variant Classification Schema (03/2026). Collection method: clinical testing. Allele origin: germline.
Comment: The c.1090G>C variant in FAH is a missense variant predicted to cause substitution of glutamic acid to glutamine at amino acid 364. This variant is rare in the general population with a frequency below the threshold expected for the associated phenotype(s). This variant has been observed in one or more individuals affected with the associated recessive disease, as either homozygous or compound heterozygous with a second variant (PMID: 30414057). This variant has been identified in one or more affected individual with a phenotype highly consistent with the associated gene (PMID: 30414057). Computational prediction algorithms indicate this variant is likely to affect gene or protein function. Given the available evidence, this variant is classified as Likely Pathogenic.

3billion
Classification: Uncertain significance for Tyrosinemia type I. Last evaluated: 2024-10-23. Review status: criteria provided, single submitter. Criteria: ACMG Guidelines, 2015. Collection method: clinical testing. Allele origin: germline. Affected: yes.
Comment: The variant is observed at an extremely low frequency in the gnomAD v4.1.0 dataset (total allele frequency: <0.001%). Predicted Consequence/Location: Missense variant In silico tool predictions suggest damaging effect of the variant on gene or gene product [REVEL: 0.91 (>=0.6, sensitivity 0.68 and specificity 0.92); 3Cnet: 0.99 (>=0.6, sensitivity 0.72 and precision 0.9)]. The same nucleotide change resulting in the same amino acid change has been previously reported to be associated with FAH related disorder (ClinVar ID: VCV002675346 /PMID: 27487552).A different missense change at the same codon (p.Glu364Val) has been reported to be associated with FAH related disorder (PMID: 36393896). Therefore, this variant is classified as VUS according to the recommendation of ACMG/AMP guideline.

Baylor Genetics
Classification: Likely pathogenic for Tyrosinemia type I. Last evaluated: 2023-10-18. Review status: criteria provided, single submitter. Criteria: ACMG Guidelines, 2015. Collection method: clinical testing. Allele origin: unknown.

Literature cited by the submitters: PubMed 30414057 (cited by Natera, Inc.); PubMed 27487552 (cited by 3billion); PubMed 36393896 (cited by 3billion).

NM_000137.4(FAH):c.1090G>C (p.Glu364Gln)

Gene: FAH (fumarylacetoacetate hydrolase; plus strand). Cytogenetic location: 15q25.1.
Variant type: single nucleotide variant.
Coding change: c.1090G>C on transcript NM_000137.4 (MANE Select); coding-DNA position 1090, G replaced by C.
Protein change: p.Glu364Gln; replaces glutamic acid 364 with glutamine.
Molecular consequence: missense variant.
Genome position (GRCh38, 1-based): chr15:80,181,069, G>C. VCF-style: chr15-80181069-G-C. GRCh37 (hg19) VCF-style: chr15-80473411-G-C.
Other names: c.1090G>C, p.Glu364Gln (NM_001374377.1, NM_001374380.1); c.1090G>C (NM_000137.2); short protein forms E364Q.
Identifiers: ClinVar variation 2675346 (VCV002675346.3), dbSNP rs121965076, ClinGen allele CA393621922.